The following is an entry in ClinVar:

ClinVar aggregate classification (germline): Uncertain significance (1 of 4 stars; one submission).

Conditions:
Long QT syndrome (LQTS). Identifiers: MedGen C0023976, MeSH D008133, MONDO:0002442. Disease mechanism: loss of function. Inheritance: Various modes of inheritance.

Submission:

Labcorp Genetics (formerly Invitae), Labcorp
Classification: Uncertain significance for Long QT syndrome. Last evaluated: 2020-07-26. Review status: criteria provided, single submitter. Criteria: Invitae Variant Classification Sherloc (09022015). Collection method: clinical testing. Allele origin: germline.
Comment: This sequence change replaces serine with threonine at codon 3243 of the ANK2 protein (p.Ser3243Thr). The serine residue is weakly conserved and there is a small physicochemical difference between serine and threonine. This variant is not present in population databases (ExAC no frequency). This variant has not been reported in the literature in individuals with ANK2-related conditions. Algorithms developed to predict the effect of missense changes on protein structure and function output the following: SIFT: "Tolerated"; PolyPhen-2: "Benign"; Align-GVGD: "Class C0". The threonine amino acid residue is found in multiple mammalian species, suggesting that this missense change does not adversely affect protein function. These predictions have not been confirmed by published functional studies and their clinical significance is uncertain. In summary, the available evidence is currently insufficient to determine the role of this variant in disease. Therefore, it has been classified as a Variant of Uncertain Significance.

NM_001148.6(ANK2):c.9727T>A (p.Ser3243Thr)

Gene: ANK2 (ankyrin 2; plus strand). Cytogenetic location: 4q26.
Variant type: single nucleotide variant.
Coding change: c.9727T>A on transcript NM_001148.6 (MANE Select); coding-DNA position 9727, T replaced by A.
Protein change: p.Ser3243Thr; replaces serine 3243 with threonine.
Molecular consequence: missense variant. On other transcripts: intron variant (68).
Genome position (GRCh38, 1-based): chr4:113,358,345, T>A. VCF-style: chr4-113358345-T-A. GRCh37 (hg19) VCF-style: chr4-114279501-T-A.
Other names: c.9493T>A, p.Ser3165Thr (NM_001386142.1); c.6127T>A, p.Ser2043Thr (NM_001386166.1); c.9868T>A, p.Ser3290Thr (NM_001386174.1); c.9844T>A, p.Ser3282Thr (NM_001386175.1); c.4412-2478T>A (NM_001386186.2, NM_001386148.2); c.4214-2478T>A (NM_001354269.3); c.4292-2478T>A (NM_001386187.2); c.4253-2478T>A (NM_001386147.1); and 35 more; short protein forms S2043T, S3165T, S3243T, S3282T, S3290T.
Identifiers: ClinVar variation 1004780 (VCV001004780.5), dbSNP rs2095947595, ClinGen allele CA357938748.
Genomic context (GRCh38, chr4:113,358,345, plus strand): 5'-AAGGACCTCCCCACCGTGCAAACGGGTGATATACCTCCTCTCTCTGGTGTAAAGCAGATA[T>A]CCTGCCCCGACTCTTCTGAACCAGCTGTACAAGTCCAGTTAGATTTTTCCACACTCACCA-3'
Protein context (NP_001139.3, residues 3233-3253): IPPLSGVKQI[Ser3243Thr]CPDSSEPAVQ